The following is an entry in ClinVar:

ClinVar aggregate classification (germline): Pathogenic/Likely pathogenic. Review status: criteria provided, multiple submitters, no conflicts (2 of 4 stars). 5 submissions from 5 submitters: Pathogenic (3); Likely pathogenic (2). Last evaluated 2023-06-17.

Conditions:
Marfan syndrome (MFS). Also called: FBN1-Related Marfan Syndrome; Marfan syndrome, classic; MARFAN SYNDROME, TYPE I; Marfan syndrome type 1; Marfan's syndrome. Identifiers: Orphanet 284963, Orphanet 558, MedGen C0024796, MONDO:0007947, OMIM 154700.
Familial thoracic aortic aneurysm and aortic dissection (TAAD). Also called: Thoracic aortic aneurysms and dissections. Identifiers: Orphanet 91387, MedGen C4707243, MONDO:0019625.
FBN1-related disorder. Also called: FBN1-related disorders.

Submissions (5):

Labcorp Genetics (formerly Invitae), Labcorp
Classification: Pathogenic for Marfan syndrome; Familial thoracic aortic aneurysm and aortic dissection. Last evaluated: 2023-06-17. Review status: criteria provided, single submitter. Criteria: Invitae Variant Classification Sherloc (09022015). Collection method: clinical testing. Allele origin: germline.
Comment: This variant is not present in population databases (gnomAD no frequency). Disruption of this splice site has been observed in individuals with clinical features of FBN1-related conditions (PMID: 16220557, 24793577, 33174221). ClinVar contains an entry for this variant (Variation ID: 42331). Algorithms developed to predict the effect of sequence changes on RNA splicing suggest that this variant may disrupt the consensus splice site. For these reasons, this variant has been classified as Pathogenic. This sequence change affects a donor splice site in intron 27 of the FBN1 gene. It is expected to disrupt RNA splicing. Variants that disrupt the donor or acceptor splice site typically lead to a loss of protein function (PMID: 16199547), and loss-of-function variants in FBN1 are known to be pathogenic (PMID: 17657824, 19293843).

Blueprint Genetics
Classification: Pathogenic for FBN1-related disorders. Last evaluated: 2021-06-21. Review status: criteria provided, single submitter. Criteria: ACMG Guidelines, 2015. Collection method: clinical testing. Allele origin: germline. Affected: yes. Observed: 1 variant allele.

Centre of Medical Genetics, University of Antwerp
Classification: Likely pathogenic for Marfan syndrome. Last evaluated: 2021-03-01. Review status: criteria provided, single submitter. Criteria: Submitter's publication. Collection method: research. Allele origin: unknown. Affected: yes.
Comment: PM2, PS7, PP4

Petrovsky National Research Centre of Surgery, The Federal Agency for Scientific Organizations
Classification: Pathogenic for Marfan syndrome. Last evaluated: 2019-08-30. Review status: criteria provided, single submitter. Criteria: ACMG Guidelines, 2015. Collection method: clinical testing. Allele origin: unknown. Inheritance: Autosomal dominant inheritance. Affected: yes. Observed: 1 heterozygote.
Comment: The variant is absent from large population studies (ExAC no frequency). ClinVar has an entry for this variant (Variation ID: 42331). There are known 3 other variants at this position: c.3337+1G>T, c.3337+1G>C, c.3337+1delG; two reported on the ClinVar (Variation ID: 527150, 574182) and one was studied in relation with MFS (PMID: 16220557). The c.3337+1G position is canonical splice site donor, all above reports on alteration of this nucleotide position show disruption of normal RNA splicing. Based on this evidences the c.3337+1G>A variant is classified as Pathogenic.

Laboratory for Molecular Medicine, Mass General Brigham Personalized Medicine
Classification: Likely pathogenic for Marfan syndrome. Last evaluated: 2008-03-01. Review status: criteria provided, single submitter. Criteria: LMM Criteria. Collection method: clinical testing. Allele origin: germline. Observed: 1 variant allele.

Literature cited by the submitters: PubMed 16220557 (cited by Labcorp Genetics (formerly Invitae), Labcorp); PubMed 24793577 (cited by Labcorp Genetics (formerly Invitae), Labcorp); PubMed 33174221 (cited by Labcorp Genetics (formerly Invitae), Labcorp); PubMed 16199547 (cited by Labcorp Genetics (formerly Invitae), Labcorp); PubMed 17657824 (cited by Labcorp Genetics (formerly Invitae), Labcorp); PubMed 19293843 (cited by Labcorp Genetics (formerly Invitae), Labcorp).

NM_000138.5(FBN1):c.3337+1G>A

Gene: FBN1 (fibrillin 1; minus strand). Cytogenetic location: 15q21.1.
Variant type: single nucleotide variant.
Coding change: c.3337+1G>A on transcript NM_000138.5 (MANE Select); the canonical splice donor site of the intron after coding-DNA position 3337, G replaced by A.
Molecular consequence: splice donor variant.
Genome position (GRCh38, 1-based): chr15:48,488,112, C>T on the plus strand (G>A on the coding strand, the complement: FBN1 is on the minus strand). VCF-style: chr15-48488112-C-T. GRCh37 (hg19) VCF-style: chr15-48780309-C-T.
Other names: c.3337+1G>A (NM_001406716.1).
Identifiers: ClinVar variation 42331 (VCV000042331.26), dbSNP rs397515789, ClinGen allele CA013972.